The following is an entry in ClinVar:

ClinVar aggregate classification (germline): Uncertain significance (1 of 4 stars; one submission).

Conditions:
ALG9 congenital disorder of glycosylation (CDG1L). Also called: ALG9-CDG; CONGENITAL DISORDER OF GLYCOSYLATION, TYPE Il; CDG Il. Identifiers: Orphanet 79328, MedGen C2931006, MONDO:0012117, OMIM 608776.

Allele frequency attached by ClinVar (database versions not stated): gnomAD exomes below 0.00001.
gnomAD v4.1: 4 of 1,613,784 alleles (0.00025%); highest among the groups gnomAD compares: Non-Finnish European, 0.00017%; no homozygotes.

Submission:

Baylor Genetics
Classification: Uncertain significance for ALG9 congenital disorder of glycosylation. Last evaluated: 2018-10-08. Review status: criteria provided, single submitter. Criteria: ACMG Guidelines, 2015. Collection method: clinical testing. Allele origin: paternal. Affected: yes.
Comment: This variant was determined to be of uncertain significance according to ACMG Guidelines, 2015 [PMID:25741868].

NM_024740.2(ALG9):c.1091A>G (p.Gln364Arg)

Gene: ALG9 (ALG9 alpha-1,2-mannosyltransferase; minus strand). Cytogenetic location: 11q23.1.
Variant type: single nucleotide variant.
Coding change: c.1091A>G on transcript NM_024740.2 (MANE Select); coding-DNA position 1091, A replaced by G.
Protein change: p.Gln364Arg; replaces glutamine 364 with arginine.
Molecular consequence: missense variant. On other transcripts: non-coding transcript variant (1).
Genome position (GRCh38, 1-based): chr11:111,840,737, T>C on the plus strand (A>G on the coding strand, the complement: ALG9 is on the minus strand). VCF-style: chr11-111840737-T-C. GRCh37 (hg19) VCF-style: chr11-111711460-T-C.
Other names: c.1091A>G, p.Gln364Arg (NM_001077690.1, NM_001352417.1); c.578A>G, p.Gln193Arg (NM_001077691.2, NM_001077692.2, NM_001352409.1 and 10 more transcripts); c.968A>G, p.Gln323Arg (NM_001352418.1); c.503A>G, p.Gln168Arg (NM_001352422.2); c.455A>G, p.Gln152Arg (NM_001352423.2); short protein forms Q364R, Q193R, Q168R, Q152R, Q323R.
Identifiers: ClinVar variation 1034070 (VCV001034070.1), dbSNP rs1956094478, ClinGen allele CA382597055.
Genomic context (GRCh38, chr11:111,840,737, plus strand): 5'-GCGCCACAGAGACATATAAGTGGATACACAGGGAAAAGAAATCTCTCCTCTTTGTGAGGC[T>C]GGATGAAGAAAATTATAAACCAAATATACATTGGAGCCAAGGTAAGCCAATACGGGTGGC-3'
Protein context (NP_079016.2, residues 354-374): MYIWFIIFFI[Gln364Arg]PHKEERFLFP